The following is an entry in ClinVar:

ClinVar aggregate classification (germline): Uncertain significance (1 of 4 stars; one submission).

Conditions:
CEP290-related ciliopathy. Also called: CEP290 ciliopathy. Identifiers: MedGen CN305601, MONDO:0100451.

Submission:

Myriad Genetics, Inc.
Classification: Uncertain significance for CEP290-related ciliopathy. Last evaluated: 2026-01-06. Review status: criteria provided, single submitter. Criteria: Myriad Autosomal Dominant, Autosomal Recessive and X-Linked Classification Criteria (2023). Collection method: clinical testing. Allele origin: unknown.
Comment: NM_025114.3(CEP290):c.852+2T>G is a variant in a canonical splice site classified as a variant of uncertain significance in the context of CEP290-related disorders. c.852+2T>G has not been observed in cases with relevant disease. Relevant functional assessments of this variant are not available in the literature. c.852+2T>G has not been observed in referenced population frequency databases. In summary, there is insufficient evidence to classify NM_025114.3(CEP290):c.852+2T>G as pathogenic or benign. Please note: this variant was assessed in the context of healthy population screening.

NM_025114.4(CEP290):c.852+2T>G

Gene: CEP290 (centrosomal protein 290; minus strand). Cytogenetic location: 12q21.32.
Variant type: single nucleotide variant.
Coding change: c.852+2T>G on transcript NM_025114.4 (MANE Select); the canonical splice donor site of the intron after coding-DNA position 852, T replaced by G.
Molecular consequence: splice donor variant.
Genome position (GRCh38, 1-based): chr12:88,129,692, A>C on the plus strand (T>G on the coding strand, the complement: CEP290 is on the minus strand). VCF-style: chr12-88129692-A-C. GRCh37 (hg19) VCF-style: chr12-88523469-A-C.
Identifiers: ClinVar variation 5004366 (VCV005004366.1).
Genomic context (GRCh38, chr12:88,129,692, plus strand): 5'-ATAAATAGTAATGAGATAATATGAAGTCTGAATAAATAAGTTATTCTAAAAGTAATTCTT[A>C]CTTGAAGTTGATAATGATCGTTTTCTTTTTTTAACTGATCTATTACATTATCTGTCTGAT-3'